The following is an entry in ClinVar:

NM_001384474.1(LOXHD1):c.1468C>T (p.Arg490Ter)

Gene: LOXHD1 (lipoxygenase homology PLAT domains 1; minus strand). Cytogenetic location: 18q21.1.
Variant type: single nucleotide variant.
Coding change: c.1468C>T on transcript NM_001384474.1 (MANE Select); coding-DNA position 1468, C replaced by T.
Protein change: p.Arg490Ter; replaces arginine 490 with a stop codon.
Molecular consequence: nonsense.
Genome position (GRCh38, 1-based): chr18:46,592,548, G>A on the plus strand (C>T on the coding strand, the complement: LOXHD1 is on the minus strand). VCF-style: chr18-46592548-G-A. GRCh37 (hg19) VCF-style: chr18-44172511-G-A.
Other names: c.1468C>T, p.Arg490Ter (NM_144612.7); short protein forms R490*.
Identifiers: ClinVar variation 649221 (VCV000649221.46), dbSNP rs527536011, ClinGen allele CA299803833.
Genomic context (GRCh38, chr18:46,592,548, plus strand): 5'-TGCATCTCACCCTTTCTAAATGCCATCCAGAACCAGAACTCCTTTTATCATGCCATACTC[G>A]AATCTTATAAAACCTGCCAAGATCCGGGAGCTCAATCTATGGTGAGAAATAAAAACATTT-3'

ClinVar aggregate classification (germline): Pathogenic/Likely pathogenic. Review status: criteria provided, multiple submitters, no conflicts (2 of 4 stars). 4 submissions from 4 submitters: Pathogenic (1); Likely pathogenic (3). Last evaluated 2025-09-17.

Conditions:
Autosomal recessive nonsyndromic hearing loss 77. Identifiers: Orphanet 90636, MedGen C2746083, MONDO:0013119, OMIM 613079.
LOXHD1-related disorder. Also called: LOXHD1-related condition.

Allele frequency attached by ClinVar (database versions not stated): gnomAD 0.00002; TOPMed 0.00002.
gnomAD v4.1: 8 of 1,551,386 alleles (0.00052%); highest among the groups gnomAD compares: African/African-American, 0.0027%; no homozygotes.

Submissions (4):

PreventionGenetics, part of Exact Sciences
Classification: Likely pathogenic for LOXHD1-related condition. Last evaluated: 2025-09-17. Review status: criteria provided, single submitter. Criteria: ACMG Guidelines, 2015. Collection method: clinical testing. Allele origin: germline.
Comment: The LOXHD1 c.1468C>T variant is predicted to result in premature protein termination (p.Arg490*). This variant was reported in an individual with hearing loss, however second potentially causative variant was not identified (Table 2, Li et al. 2021. PubMed ID: 33724713). This variant is reported in 0.0040% of alleles in individuals of Latino descent in gnomAD. Nonsense variants in LOXHD1 are expected to be pathogenic. This variant is interpreted as likely pathogenic.

Natera, Inc.
Classification: Likely pathogenic for Autosomal recessive deafness type 77. Last evaluated: 2025-09-14. Review status: criteria provided, single submitter. Criteria: Natera Variant Classification Schema (03/2026). Collection method: clinical testing. Allele origin: germline.
Comment: The c.1468C>T variant in LOXHD1 is a nonsense variant predicted to introduce a stop codon at amino acid 490. This variant is expected to result in nonsense mediated decay, truncation, or a dysfunctional protein product. This variant is rare in the general population with a frequency below the threshold expected for the associated phenotype(s). Given the available evidence, this variant is classified as Likely Pathogenic.

Labcorp Genetics (formerly Invitae), Labcorp
Classification: Pathogenic. Last evaluated: 2022-10-27. Review status: criteria provided, single submitter. Criteria: Invitae Variant Classification Sherloc (09022015). Collection method: clinical testing. Allele origin: germline.
Comment: ClinVar contains an entry for this variant (Variation ID: 649221). For these reasons, this variant has been classified as Pathogenic. Algorithms developed to predict the effect of sequence changes on RNA splicing suggest that this variant may disrupt the consensus splice site. This variant has not been reported in the literature in individuals affected with LOXHD1-related conditions. This variant is present in population databases (rs527536011, gnomAD 0.002%). This sequence change creates a premature translational stop signal (p.Arg490*) in the LOXHD1 gene. It is expected to result in an absent or disrupted protein product. Loss-of-function variants in LOXHD1 are known to be pathogenic (PMID: 19732867, 21465660, 25792669).

CeGaT Center for Human Genetics Tuebingen
Classification: Likely pathogenic. Last evaluated: 2020-10-01. Review status: criteria provided, single submitter. Criteria: CeGaT Center For Human Genetics Tuebingen Variant Classification Criteria Version 2. Collection method: clinical testing. Allele origin: germline. Affected: yes. Observed: 2 variant alleles.

Literature cited by the submitters: PubMed 19732867 (cited by Labcorp Genetics (formerly Invitae), Labcorp); PubMed 21465660 (cited by Labcorp Genetics (formerly Invitae), Labcorp); PubMed 25792669 (cited by Labcorp Genetics (formerly Invitae), Labcorp).